The following is an entry in ClinVar:

ClinVar aggregate classification (germline): Uncertain significance. Review status: criteria provided, multiple submitters, no conflicts (2 of 4 stars). 4 submissions from 4 submitters: Uncertain significance (3). 1 of the submissions does not count toward it. Last evaluated 2024-10-30.

Conditions:
Spastic paraplegia. Identifiers: MedGen C0037772, HP:0001258.
Hereditary spastic paraplegia 15 (SPG15). Also called: KJELLIN SYNDROME; SPASTIC PARAPLEGIA AND RETINAL DEGENERATION; SPASTIC PARAPLEGIA 15, AUTOSOMAL RECESSIVE. Identifiers: Orphanet 100996, MedGen C1849128, MONDO:0010044, OMIM 270700.

Allele frequency attached by ClinVar (database versions not stated): gnomAD exomes 0.00001 and 0.00003; ExAC 0.00002; gnomAD 0.00003; TOPMed 0.00003; ESP Exome Variant Server 0.00008.
gnomAD v4.1: 46 of 1,614,040 alleles (0.0028%); highest among the groups gnomAD compares: East Asian, 0.016%; no homozygotes.

Submissions (4):

Blueprint Genetics
Classification: Uncertain significance. Last evaluated: 2024-10-30. Review status: criteria provided, single submitter. Criteria: ACMG Guidelines, 2015. Collection method: clinical testing. Allele origin: germline.

Labcorp Genetics (formerly Invitae), Labcorp
Classification: Uncertain significance for Spastic paraplegia. Last evaluated: 2022-09-12. Review status: criteria provided, single submitter. Criteria: Invitae Variant Classification Sherloc (09022015). Collection method: clinical testing. Allele origin: germline.
Comment: This sequence change replaces arginine, which is basic and polar, with glutamine, which is neutral and polar, at codon 2140 of the ZFYVE26 protein (p.Arg2140Gln). This variant is present in population databases (rs373855798, gnomAD 0.003%). This variant has not been reported in the literature in individuals affected with ZFYVE26-related conditions. ClinVar contains an entry for this variant (Variation ID: 488443). Algorithms developed to predict the effect of missense changes on protein structure and function are either unavailable or do not agree on the potential impact of this missense change (SIFT: "Tolerated"; PolyPhen-2: "Possibly Damaging"; Align-GVGD: "Class C0"). In summary, the available evidence is currently insufficient to determine the role of this variant in disease. Therefore, it has been classified as a Variant of Uncertain Significance.

Fulgent Genetics
Classification: Uncertain significance for Hereditary spastic paraplegia 15. Last evaluated: 2018-10-31. Review status: criteria provided, single submitter. Criteria: ACMG Guidelines, 2015. Collection method: clinical testing. Allele origin: unknown.

Molecular Genetics Laboratory, BC Children's and BC Women's Hospitals
Classification: Uncertain significance for Hereditary spastic paraplegia 15. Last evaluated: 2016-10-31. Review status: no assertion criteria provided. Criteria: ACMG Guidelines, 2015. Collection method: clinical testing. Allele origin: germline. Affected: yes. Not counted in ClinVar's aggregate classification.

NM_015346.4(ZFYVE26):c.6419G>A (p.Arg2140Gln)

Gene: ZFYVE26 (zinc finger FYVE-type containing 26; minus strand). Cytogenetic location: 14q24.1.
Variant type: single nucleotide variant.
Coding change: c.6419G>A on transcript NM_015346.4 (MANE Select); coding-DNA position 6419, G replaced by A.
Protein change: p.Arg2140Gln; replaces arginine 2140 with glutamine.
Molecular consequence: missense variant.
Genome position (GRCh38, 1-based): chr14:67,761,535, C>T on the plus strand (G>A on the coding strand, the complement: ZFYVE26 is on the minus strand). VCF-style: chr14-67761535-C-T. GRCh37 (hg19) VCF-style: chr14-68228252-C-T.
Other names: short protein forms R2140Q.
Identifiers: ClinVar variation 488443 (VCV000488443.6), dbSNP rs373855798, ClinGen allele CA7239224.